The following is an entry in ClinVar:

NM_016203.4(PRKAG2):c.1354T>C (p.Phe452Leu)

Gene: PRKAG2 (protein kinase AMP-activated non-catalytic subunit gamma 2; minus strand). Cytogenetic location: 7q36.1.
Variant type: single nucleotide variant.
Coding change: c.1354T>C on transcript NM_016203.4 (MANE Select); coding-DNA position 1354, T replaced by C.
Protein change: p.Phe452Leu; replaces phenylalanine 452 with leucine.
Molecular consequence: missense variant.
Genome position (GRCh38, 1-based): chr7:151,565,765, A>G on the plus strand (T>C on the coding strand, the complement: PRKAG2 is on the minus strand). VCF-style: chr7-151565765-A-G. GRCh37 (hg19) VCF-style: chr7-151262851-A-G.
Other names: c.1222T>C, p.Phe408Leu (NM_001040633.2, NM_001407024.1); c.979T>C, p.Phe327Leu (NM_001304527.2, NM_001407029.1); c.631T>C, p.Phe211Leu (NM_001304531.2, NM_001407034.1, NM_001407035.1 and 1 more transcripts); c.982T>C, p.Phe328Leu (NM_001363698.2, NM_001407028.1); c.1354T>C, p.Phe452Leu (NM_001407021.1); c.1351T>C, p.Phe451Leu (NM_001407022.1, NM_001407023.1); c.1219T>C, p.Phe407Leu (NM_001407026.1, NM_001407027.1); c.1066T>C, p.Phe356Leu (NM_001407030.1); and 6 more; short protein forms F211L, F328L, F344L, F408L, F210L, F231L, F346L, F356L.
Identifiers: ClinVar variation 3681809 (VCV003681809.2).

ClinVar aggregate classification (germline): Uncertain significance (1 of 4 stars; one submission).

Conditions:
Lethal congenital glycogen storage disease of heart. Also called: GLYCOGEN STORAGE DISEASE OF HEART; PHOSPHORYLASE KINASE DEFICIENCY OF HEART. Identifiers: Orphanet 439854, MedGen C1849813, MONDO:0009867, OMIM 261740.

Submission:

Labcorp Genetics (formerly Invitae), Labcorp
Classification: Uncertain significance for Lethal congenital glycogen storage disease of heart. Last evaluated: 2024-07-19. Review status: criteria provided, single submitter. Criteria: Invitae Variant Classification Sherloc (09022015). Collection method: clinical testing. Allele origin: germline.
Comment: This sequence change replaces phenylalanine, which is neutral and non-polar, with leucine, which is neutral and non-polar, at codon 452 of the PRKAG2 protein (p.Phe452Leu). This variant is not present in population databases (gnomAD no frequency). This variant has not been reported in the literature in individuals affected with PRKAG2-related conditions. Advanced modeling of protein sequence and biophysical properties (such as structural, functional, and spatial information, amino acid conservation, physicochemical variation, residue mobility, and thermodynamic stability) has been performed at Invitae for this missense variant, however the output from this modeling did not meet the statistical confidence thresholds required to predict the impact of this variant on PRKAG2 protein function. In summary, the available evidence is currently insufficient to determine the role of this variant in disease. Therefore, it has been classified as a Variant of Uncertain Significance.